The following is an entry in ClinVar:

ClinVar aggregate classification (germline): Uncertain significance (1 of 4 stars; one submission).

Submission:

Ambry Genetics
Classification: Uncertain significance. Last evaluated: 2022-01-13. Review status: criteria provided, single submitter. Criteria: Ambry Variant Classification Scheme 2023. Collection method: clinical testing. Allele origin: germline.
Comment: The p.M117R variant (also known as c.350T>G), located in coding exon 1 of the MLH3 gene, results from a T to G substitution at nucleotide position 350. The methionine at codon 117 is replaced by arginine, an amino acid with similar properties. This amino acid position is conserved. In addition, this alteration is predicted to be tolerated by in silico analysis. Since supporting evidence is limited at this time, the clinical significance of this alteration remains unclear.

NM_001040108.2(MLH3):c.350T>G (p.Met117Arg)

Gene: MLH3 (mutL homolog 3; minus strand). Cytogenetic location: 14q24.3.
Variant type: single nucleotide variant.
Coding change: c.350T>G on transcript NM_001040108.2 (MANE Select); coding-DNA position 350, T replaced by G.
Protein change: p.Met117Arg; replaces methionine 117 with arginine.
Molecular consequence: missense variant.
Genome position (GRCh38, 1-based): chr14:75,049,306, A>C on the plus strand (T>G on the coding strand, the complement: MLH3 is on the minus strand). VCF-style: chr14-75049306-A-C. GRCh37 (hg19) VCF-style: chr14-75516009-A-C.
Other names: c.350T>G, p.Met117Arg (NM_014381.3); short protein forms M117R.
Identifiers: ClinVar variation 1732153 (VCV001732153.2), dbSNP rs750456511, ClinGen allele CA390450862.